The following is an entry in ClinVar:

ClinVar aggregate classification (germline): Uncertain significance (1 of 4 stars; one submission).

Conditions:
Familial intrahepatic cholestasis. Identifiers: Orphanet 284385, MedGen CN296401, MONDO:0017290.

gnomAD v4.1: 3 of 1,609,484 alleles (0.00019%); highest among the groups gnomAD compares: Non-Finnish European, 0.00025%; no homozygotes.

Submission:

Genomenon, Inc
Classification: Uncertain significance for Familial intrahepatic cholestasis. Last evaluated: 2026-04-14. Review status: criteria provided, single submitter. Criteria: Genomenon Sequence Variant Interpretation Standards - Updated. Collection method: curation. Allele origin: germline. Affected: no.
Comment: ATP8B1 p.Val730Ala (c.2189T>C) is a missense variant that changes the amino acid at residue 730 from Valine to Alanine. This variant has been reported in the published literature (PMID:37208429). It is absent or not present at a significant frequency in gnomAD. In silico models predict that this variant is possibly or probably damaging. In conclusion, we classify ATP8B1 p.Val730Ala (c.2189T>C) as a variant of uncertain significance.

Literature cited by the submitters: PubMed 37208429.

NM_001374385.1(ATP8B1):c.2189T>C (p.Val730Ala)

Genes: ATP8B1 (ATPase phospholipid transporting 8B1; minus strand), ATP8B1-AS1 (ATP8B1 antisense RNA 1; plus strand). Cytogenetic location: 18q21.31.
Variant type: single nucleotide variant.
Coding change: c.2189T>C on transcript NM_001374385.1 (MANE Select); coding-DNA position 2189, T replaced by C.
Protein change: p.Val730Ala; replaces valine 730 with alanine.
Molecular consequence: missense variant. On other transcripts: non-coding transcript variant (1).
Genome position (GRCh38, 1-based): chr18:57,668,449, A>G on the plus strand (T>C on the coding strand, the complement: ATP8B1 is on the minus strand). VCF-style: chr18-57668449-A-G. GRCh37 (hg19) VCF-style: chr18-55335681-A-G.
Other names: c.2039T>C, p.Val680Ala (NM_001374386.1); c.2189T>C, p.Val730Ala (NM_005603.6); short protein forms V680A, V730A.
Identifiers: ClinVar variation 4846307 (VCV004846307.1).